The following is an entry in ClinVar:

ClinVar aggregate classification (germline): Likely pathogenic (1 of 4 stars; one submission).

Conditions:
Autosomal recessive limb-girdle muscular dystrophy type 2J (LGMDR10). Also called: Limb-girdle muscular dystrophy, type 2J; MUSCULAR DYSTROPHY, LIMB-GIRDLE, AUTOSOMAL RECESSIVE 10. Identifiers: Orphanet 140922, MedGen C1837342, MONDO:0012127, OMIM 608807.
Dilated cardiomyopathy 1G (CMD1G). Identifiers: Orphanet 154, MedGen C1858763, MONDO:0011400, OMIM 604145.

Submission:

Labcorp Genetics (formerly Invitae), Labcorp
Classification: Likely pathogenic for Dilated cardiomyopathy 1G; Autosomal recessive limb-girdle muscular dystrophy type 2J. Last evaluated: 2020-02-07. Review status: criteria provided, single submitter. Criteria: Invitae Variant Classification Sherloc (09022015). Collection method: clinical testing. Allele origin: germline.
Comment: This sequence change results in a premature translational stop signal in the TTN gene (p.Tyr24786*). While this is not anticipated to result in nonsense mediated decay, it is expected to create a truncated TTN protein. This variant is not present in population databases (ExAC no frequency). This variant has not been reported in the literature in individuals with TTN-related conditions. This variant is located in the A band of TTN (PMID: 25589632). Truncating variants in this region are significantly overrepresented in patients affected with dilated cardiomyopathy (PMID: 25589632). Truncating variants in this region have also been reported in individuals affected with autosomal recessive centronuclear myopathy (PMID: 23975875). In summary, the currently available evidence indicates that the variant is pathogenic, but additional data are needed to prove that conclusively. Therefore, this variant has been classified as Likely Pathogenic.

Literature cited by the submitters: PubMed 25589632; PubMed 23975875.

NM_001267550.2(TTN):c.74358del (p.His24785_Tyr24786insTer)

Genes: TTN-AS1 (TTN antisense RNA 1; plus strand), TTN (titin; minus strand). Cytogenetic location: 2q31.2.
Variant type: Deletion.
Coding change: c.74358del on transcript NM_001267550.2 (MANE Select); coding-DNA position 74358, one base deleted (T; older notation c.74358delT).
Protein change: p.His24785_Tyr24786insTer.
Molecular consequence: nonsense.
Genome position (GRCh38, 1-based): chr2:178,571,774, A deleted on the plus strand (T on the coding strand, the reverse complement: TTN is on the minus strand). VCF-style (leftmost placement, unchanged base first): chr2-178571773-CA-C. GRCh37 (hg19) VCF-style: chr2-179436500-CA-C.
Other names: c.69435del, p.His23144_Tyr23145insTer (NM_001256850.1); c.47163del, p.His15720_Tyr15721insTer (NM_003319.4); c.66654del, p.His22217_Tyr22218insTer (NM_133378.4); c.47538del, p.His15845_Tyr15846insTer (NM_133432.3); c.47739del, p.His15912_Tyr15913insTer (NM_133437.4).
Identifiers: ClinVar variation 844477 (VCV000844477.10), dbSNP rs1708277443, ClinGen allele CA916081331.